The following is an entry in ClinVar:

ClinVar aggregate classification (germline): Uncertain significance. Review status: criteria provided, multiple submitters, no conflicts (2 of 4 stars). 4 submissions from 4 submitters: Uncertain significance (4). Last evaluated 2024-10-24.

Conditions:
Ciliary dyskinesia, primary, 40. Also called: CILIARY DYSKINESIA, PRIMARY, 40, WITH OR WITHOUT SITUS INVERSUS. Identifiers: MedGen C4749028, MONDO:0032664, OMIM 618300.

gnomAD v4.1: 39 of 1,613,984 alleles (0.0024%); highest among the groups gnomAD compares: Admixed American, 0.005%; no homozygotes.

Submissions (4):

3billion
Classification: Uncertain significance for Ciliary dyskinesia, primary, 40. Last evaluated: 2024-10-24. Review status: criteria provided, single submitter. Criteria: ACMG Guidelines, 2015. Collection method: clinical testing. Allele origin: germline. Affected: yes.
Comment: The variant is observed at an extremely low frequency in the gnomAD v4.1.0 dataset (total allele frequency: 0.002%). Predicted Consequence/Location: Missense variant. The majority of the known disease-causing variants of this gene are variants expected to result in premature termination of the protein. In silico tool predictions suggest damaging effect of the variant on gene or gene product [REVEL: 0.78 (>=0.6, sensitivity 0.68 and specificity 0.92)]. The variant has been reported as of uncertain significance (ClinVar ID: VCV001446125). Different missense changes at the same codon have been reported as of uncertain significance (ClinVar ID: VCV001414297). Therefore, this variant is classified as VUS according to the recommendation of ACMG/AMP guideline.

Labcorp Genetics (formerly Invitae), Labcorp
Classification: Uncertain significance. Last evaluated: 2024-06-20. Review status: criteria provided, single submitter. Criteria: Invitae Variant Classification Sherloc (09022015). Collection method: clinical testing. Allele origin: germline.
Comment: This sequence change replaces arginine, which is basic and polar, with leucine, which is neutral and non-polar, at codon 3068 of the DNAH9 protein (p.Arg3068Leu). This variant is present in population databases (rs201731662, gnomAD 0.004%). This variant has not been reported in the literature in individuals affected with DNAH9-related conditions. ClinVar contains an entry for this variant (Variation ID: 1446125). Advanced modeling of protein sequence and biophysical properties (such as structural, functional, and spatial information, amino acid conservation, physicochemical variation, residue mobility, and thermodynamic stability) performed at Invitae indicates that this missense variant is expected to disrupt DNAH9 protein function with a positive predictive value of 80%. In summary, the available evidence is currently insufficient to determine the role of this variant in disease. Therefore, it has been classified as a Variant of Uncertain Significance.

GeneDx
Classification: Uncertain significance. Last evaluated: 2024-05-02. Review status: criteria provided, single submitter. Criteria: GeneDx Variant Classification Process June 2021. Collection method: clinical testing. Allele origin: germline. Affected: yes.
Comment: In silico analysis supports that this missense variant has a deleterious effect on protein structure/function; Has not been previously published as pathogenic or benign to our knowledge

Revvity Omics, Revvity
Classification: Uncertain significance for Ciliary dyskinesia, primary, 40. Last evaluated: 2022-05-11. Review status: criteria provided, single submitter. Criteria: ACMG Guidelines, 2015. Collection method: clinical testing. Allele origin: germline.

NM_001372.4(DNAH9):c.9203G>T (p.Arg3068Leu)

Gene: DNAH9 (dynein axonemal heavy chain 9; plus strand). Cytogenetic location: 17p12.
Variant type: single nucleotide variant.
Coding change: c.9203G>T on transcript NM_001372.4 (MANE Select); coding-DNA position 9203, G replaced by T.
Protein change: p.Arg3068Leu; replaces arginine 3068 with leucine.
Molecular consequence: missense variant.
Genome position (GRCh38, 1-based): chr17:11,822,991, G>T. VCF-style: chr17-11822991-G-T. GRCh37 (hg19) VCF-style: chr17-11726308-G-T.
Other names: c.9203G>T (NM_001372.3); short protein forms R3068L.
Identifiers: ClinVar variation 1446125 (VCV001446125.13), dbSNP rs201731662, ClinGen allele CA8397159.